The following is an entry in ClinVar:

NM_002880.4(RAF1):c.452T>C (p.Phe151Ser)

Gene: RAF1 (Raf-1 proto-oncogene, serine/threonine kinase; minus strand). Cytogenetic location: 3p25.2.
Variant type: single nucleotide variant.
Coding change: c.452T>C on transcript NM_002880.4 (MANE Select); coding-DNA position 452, T replaced by C.
Protein change: p.Phe151Ser; replaces phenylalanine 151 with serine.
Molecular consequence: missense variant. On other transcripts: non-coding transcript variant (3).
Genome position (GRCh38, 1-based): chr3:12,608,895, A>G on the plus strand (T>C on the coding strand, the complement: RAF1 is on the minus strand). VCF-style: chr3-12608895-A-G. GRCh37 (hg19) VCF-style: chr3-12650394-A-G.
Other names: c.452T>C, p.Phe151Ser (NM_001354689.3, NM_001354690.3, NM_001354693.3); c.209T>C, p.Phe70Ser (NM_001354691.3, NM_001354692.3, NM_001354694.3 and 1 more transcripts); short protein forms F151S, F70S.
Identifiers: ClinVar variation 40592 (VCV000040592.9), dbSNP rs587782971, ClinGen allele CA345869.

ClinVar aggregate classification (germline): Conflicting classifications of pathogenicity. Review status: criteria provided, conflicting classifications (1 of 4 stars). 2 submissions from 2 submitters: Likely pathogenic (1); Uncertain significance (1). Last evaluated 2025-03-15.

Conditions:
RASopathy. Also called: Noonan spectrum disorder; rasopathies. Identifiers: Orphanet 536391, MedGen C5555857, MONDO:0021060.

Submissions (2):

GeneDx
Classification: Likely pathogenic. Last evaluated: 2025-03-15. Review status: criteria provided, single submitter. Criteria: GeneDx Variant Classification Process June 2021. Collection method: clinical testing. Allele origin: germline. Affected: yes.
Comment: Not observed at significant frequency in large population cohorts (gnomAD); In silico analysis supports that this missense variant has a deleterious effect on protein structure/function; Missense variants in this gene are a common cause of disease and they are underrepresented in the general population; Has not been previously published as pathogenic or benign to our knowledge

Labcorp Genetics (formerly Invitae), Labcorp
Classification: Uncertain significance for RASopathy. Last evaluated: 2021-09-27. Review status: criteria provided, single submitter. Criteria: Invitae Variant Classification Sherloc (09022015). Collection method: clinical testing. Allele origin: germline.
Comment: In summary, the available evidence is currently insufficient to determine the role of this variant in disease. Therefore, it has been classified as a Variant of Uncertain Significance. Advanced modeling of protein sequence and biophysical properties (such as structural, functional, and spatial information, amino acid conservation, physicochemical variation, residue mobility, and thermodynamic stability) performed at Invitae indicates that this missense variant is expected to disrupt RAF1 protein function. ClinVar contains an entry for this variant (Variation ID: 40592). This missense change has been observed in individual(s) with clinical features of Noonan syndrome (Invitae). This variant is not present in population databases (ExAC no frequency). This sequence change replaces phenylalanine with serine at codon 151 of the RAF1 protein (p.Phe151Ser). The phenylalanine residue is highly conserved and there is a large physicochemical difference between phenylalanine and serine.